The following is an entry in ClinVar:

ClinVar aggregate classification (germline): Benign. Review status: criteria provided, multiple submitters, no conflicts (2 of 4 stars). 3 submissions from 3 submitters: Benign (2). 1 of the submissions does not count toward it. Last evaluated 2026-07-01.

Conditions:
SOX4-related disorder. Also called: SOX4-related condition.

Allele frequency attached by ClinVar (database versions not stated): 1000 Genomes Project 30x 0.00593; ESP Exome Variant Server 0.00644; 1000 Genomes Project 0.00659; TOPMed 0.00740; gnomAD exomes 0.00795; gnomAD 0.00811 and 0.00838; ExAC 0.00994.

Submissions (3):

CeGaT Center for Human Genetics Tuebingen
Classification: Benign. Last evaluated: 2026-07-01. Review status: criteria provided, single submitter. Criteria: CeGaT Center For Human Genetics Tuebingen Variant Classification Criteria Version 2. Collection method: clinical testing. Allele origin: germline. Affected: yes. Observed: 63 variant alleles.
Comment: SOX4: PP3, BS1, BS2

Labcorp Genetics (formerly Invitae), Labcorp
Classification: Benign. Last evaluated: 2019-12-31. Review status: criteria provided, single submitter. Criteria: Invitae Variant Classification Sherloc (09022015). Collection method: clinical testing. Allele origin: germline.

PreventionGenetics, part of Exact Sciences
Classification: Benign for SOX4-related condition. Last evaluated: 2019-10-31. Review status: no assertion criteria provided. Collection method: clinical testing. Allele origin: germline. Not counted in ClinVar's aggregate classification.
Comment: This variant is classified as benign based on ACMG/AMP sequence variant interpretation guidelines (Richards et al. 2015 PMID: 25741868, with internal and published modifications).

NM_003107.3(SOX4):c.82C>G (p.Leu28Val)

Gene: SOX4 (SRY-box transcription factor 4; plus strand). Cytogenetic location: 6p22.3.
Variant type: single nucleotide variant.
Coding change: c.82C>G on transcript NM_003107.3 (MANE Select); coding-DNA position 82, C replaced by G.
Protein change: p.Leu28Val; replaces leucine 28 with valine.
Molecular consequence: missense variant.
Genome position (GRCh38, 1-based): chr6:21,594,616, C>G. VCF-style: chr6-21594616-C-G. GRCh37 (hg19) VCF-style: chr6-21594847-C-G.
Other names: short protein forms L28V.
Identifiers: ClinVar variation 720268 (VCV000720268.37), dbSNP rs140231408, ClinGen allele CA3653543.